The following is an entry in ClinVar:

NM_053025.4(MYLK):c.1804+8C>T

Gene: MYLK (myosin light chain kinase; minus strand). Cytogenetic location: 3q21.1.
Variant type: single nucleotide variant.
Coding change: c.1804+8C>T on transcript NM_053025.4 (MANE Select); 8 bases into the intron after coding-DNA position 1804, C replaced by T.
Molecular consequence: intron variant.
Genome position (GRCh38, 1-based): chr3:123,722,120, G>A on the plus strand (C>T on the coding strand, the complement: MYLK is on the minus strand). VCF-style: chr3-123722120-G-A. GRCh37 (hg19) VCF-style: chr3-123440967-G-A.
Other names: p.?; c.1276+8C>T (NM_001321309.2); c.1597+8C>T (NM_053028.4, NM_053026.4); c.1804+8C>T (NM_053027.4).
Identifiers: ClinVar variation 226757 (VCV000226757.25), dbSNP rs820355, ClinGen allele CA067547.
Genomic context (GRCh38, chr3:123,722,120, plus strand): 5'-TGCCCTTCCTCCAAAGCAGAAGTGCCTGCAGGAAAGGTGCTTCTACCCAGGTGCCCAGAG[G>A]CTCCTACCATGGACGGTGACCCAGGCGCTGCAGGACACCTGCCCCAAGGCATTCTCAGCT-3'

ClinVar aggregate classification (germline): Benign. Review status: criteria provided, multiple submitters, no conflicts (2 of 4 stars). 14 submissions from 13 submitters: Benign (11). 3 of the submissions do not count toward it. Last evaluated 2026-02-04.

Conditions:
Megacystis, microcolon, hypoperistalsis syndrome. Also called: Megacystis-microcolon-intestinal hypoperistalsis syndrome; Berdon syndrome. Identifiers: Orphanet 2241, MedGen C1608393, MONDO:0025986.
Aortic aneurysm, familial thoracic 7 (AAT7). Also called: AORTIC DISSECTION, FAMILIAL, WITH OR WITHOUT AORTIC ANEURYSM. Identifiers: MedGen C3151077, MONDO:0013418, OMIM 613780.

Allele frequency attached by ClinVar (database versions not stated): 1000 Genomes Project 0.91354; gnomAD 0.91605 and 0.92170; ExAC 0.97219; gnomAD exomes 0.97990 and 0.99149; 1000 Genomes Project 30x 0.90771; ESP Exome Variant Server 0.90880; TOPMed 0.91192.
gnomAD v4.1: 1,538,311 of 1,562,844 alleles (98%); highest among the groups gnomAD compares: East Asian, 100%; 759,676 homozygotes.

Submissions (14):

Labcorp Genetics (formerly Invitae), Labcorp
Classification: Benign for Aortic aneurysm, familial thoracic 7. Last evaluated: 2026-02-04. Review status: criteria provided, single submitter. Criteria: Invitae Variant Classification Sherloc (09022015). Collection method: clinical testing. Allele origin: germline.

Blueprint Genetics
Classification: Benign. Last evaluated: 2024-11-26. Review status: criteria provided, single submitter. Criteria: ACMG Guidelines, 2015. Collection method: clinical testing. Allele origin: germline.

Genome-Nilou Lab
Classification: Benign for Aortic aneurysm, familial thoracic 7. Last evaluated: 2021-09-05. Review status: criteria provided, single submitter. Criteria: ACMG Guidelines, 2015. Collection method: clinical testing. Allele origin: germline. Affected: no.

Genome-Nilou Lab
Classification: Benign for Megacystis-microcolon-intestinal hypoperistalsis syndrome 1. Last evaluated: 2021-09-05. Review status: criteria provided, single submitter. Criteria: ACMG Guidelines, 2015. Collection method: clinical testing. Allele origin: germline. Affected: no.

Illumina Laboratory Services, Illumina
Classification: Benign for Aortic aneurysm, familial thoracic 7. Last evaluated: 2018-01-13. Review status: criteria provided, single submitter. Criteria: ICSL Variant Classification Criteria 13 December 2019. Collection method: clinical testing. Allele origin: germline.
Comment: This variant was observed in the ICSL laboratory as part of a predisposition screen in an ostensibly healthy population. It had not been previously curated by ICSL or reported in the Human Gene Mutation Database (HGMD: prior to June 1st, 2018), and was therefore a candidate for classification through an automated scoring system. Utilizing variant allele frequency, disease prevalence and penetrance estimates, and inheritance mode, an automated score was calculated to assess if this variant is too frequent to cause the disease. Based on the score and internal cut-off values, a variant classified as benign is not then subjected to further curation. The score for this variant resulted in a classification of benign for this disease.

GeneDx
Classification: Benign. Last evaluated: 2016-09-22. Review status: criteria provided, single submitter. Criteria: GeneDx Variant Classification (06012015). Collection method: clinical testing. Allele origin: germline. Affected: yes.
Comment: This variant is considered likely benign or benign based on one or more of the following criteria: it is a conservative change, it occurs at a poorly conserved position in the protein, it is predicted to be benign by multiple in silico algorithms, and/or has population frequency not consistent with disease.

Women's Health and Genetics/Laboratory Corporation of America, LabCorp
Classification: Benign. Last evaluated: 2016-02-12. Review status: criteria provided, single submitter. Criteria: LabCorp Variant Classification Summary - May 2015. Collection method: clinical testing. Allele origin: germline.

Mayo Clinic Laboratories, Mayo Clinic
Classification: Benign. Last evaluated: 2014-02-05. Review status: criteria provided, single submitter. Criteria: ACMG Guidelines, 2015. Collection method: clinical testing. Allele origin: germline. Observed: 1,464 variant alleles.

Laboratory for Molecular Medicine, Mass General Brigham Personalized Medicine
Classification: Benign. Last evaluated: 2013-04-04. Review status: criteria provided, single submitter. Criteria: LMM Criteria. Collection method: clinical testing. Allele origin: germline. Observed: 35 variant alleles.
Comment: 1804+8C>T in intron 13 of MYLK: This variant is not expected to have clinical si gnificance because it is not located within the conserved splice consensus seque nce. It has been identified in 26.5% (1160/4378) of African American chromosomes from a broad population by the NHLBI Exome Sequencing Project (dbSNP rs820355).

Breakthrough Genomics
Classification: Benign. Review status: criteria provided, single submitter. Criteria: ACMG Guidelines, 2015. Collection method: not provided. Allele origin: germline. Inheritance: Autosomal recessive inheritance. Affected: yes.

PreventionGenetics, part of Exact Sciences
Classification: Benign. Review status: criteria provided, single submitter. Criteria: ACMG Guidelines, 2015. Collection method: clinical testing. Allele origin: germline.

Diagnostic Laboratory, Department of Genetics, University Medical Center Groningen
Classification: Benign for Aortic aneurysm, familial thoracic 7. Review status: no assertion criteria provided. Collection method: clinical testing. Allele origin: germline. Affected: yes. Study: VKGL Data-share Consensus. Not counted in ClinVar's aggregate classification.

Genome Diagnostics Laboratory, Amsterdam University Medical Center
Classification: Benign. Review status: no assertion criteria provided. Collection method: clinical testing. Allele origin: germline. Affected: yes. Study: VKGL Data-share Consensus. Not counted in ClinVar's aggregate classification.

Joint Genome Diagnostic Labs from Nijmegen and Maastricht, Radboudumc and MUMC+
Classification: Benign. Review status: no assertion criteria provided. Collection method: clinical testing. Allele origin: germline. Affected: yes. Study: VKGL Data-share Consensus. Not counted in ClinVar's aggregate classification.